The following is an entry in ClinVar:

ClinVar aggregate classification (germline): Benign/Likely benign. Review status: criteria provided, multiple submitters, no conflicts (2 of 4 stars). 7 submissions from 7 submitters: Benign (3); Likely benign (1). 3 of the submissions do not count toward it. Last evaluated 2024-11-27.

Conditions:
RELN-related disorder. Also called: RELN-related condition.

Submissions (7):

Blueprint Genetics
Classification: Likely benign. Last evaluated: 2024-11-27. Review status: criteria provided, single submitter. Criteria: ACMG Guidelines, 2015. Collection method: clinical testing. Allele origin: germline.

Mayo Clinic Laboratories, Mayo Clinic
Classification: Benign. Last evaluated: 2023-02-08. Review status: criteria provided, single submitter. Criteria: ACMG Guidelines, 2015. Collection method: clinical testing. Allele origin: germline. Observed: 13 variant alleles.
Comment: BS1, BS2

GeneDx
Classification: Benign. Last evaluated: 2015-09-28. Review status: criteria provided, single submitter. Criteria: GeneDx Variant Classification Process June 2021. Collection method: clinical testing. Allele origin: germline. Affected: yes.

Genomic Diagnostic Laboratory, Division of Genomic Diagnostics, Children's Hospital of Philadelphia
Classification: Benign. Last evaluated: 2015-08-24. Review status: criteria provided, single submitter. Criteria: DGD Variant Analysis Guidelines. Collection method: clinical testing. Allele origin: unknown.

PreventionGenetics, part of Exact Sciences
Classification: Benign for RELN-related condition. Last evaluated: 2019-05-09. Review status: no assertion criteria provided. Collection method: clinical testing. Allele origin: germline. Not counted in ClinVar's aggregate classification.
Comment: This variant is classified as benign based on ACMG/AMP sequence variant interpretation guidelines (Richards et al. 2015 PMID: 25741868, with internal and published modifications).

Clinical Genetics DNA and cytogenetics Diagnostics Lab, Erasmus MC, Erasmus Medical Center
Classification: Benign. Review status: no assertion criteria provided. Collection method: clinical testing. Allele origin: germline. Affected: yes. Study: VKGL Data-share Consensus. Not counted in ClinVar's aggregate classification.

Clinical Genetics, Academic Medical Center
Classification: Benign. Review status: no assertion criteria provided. Collection method: clinical testing. Allele origin: germline. Affected: yes. Study: VKGL Data-share Consensus. Not counted in ClinVar's aggregate classification.

NM_005045.4(RELN):c.-24GGC[12] (p.Met1_Glu2insGlyGlyGlyGly)

Gene: RELN (reelin; minus strand). Cytogenetic location: 7q22.1.
Variant type: Microsatellite.
Coding change: c.-24GGC[12] on transcript NM_005045.4 (MANE Select); 12 copies in a row of the 3-base unit GGC starting at c.-24; the reference has eight copies in a row; four copies, 12 bases duplicated.
Protein change: p.Met1_Glu2insGlyGlyGlyGly.
Molecular consequence: inframe insertion.
Genome position (GRCh38, 1-based): chr7:103,989,357-103,989,368, GCCGCCGCCGCC duplicated on the plus strand (GGCGGCGGCGGC on the coding strand, the reverse complement: RELN is on the minus strand); duplicating any 12 consecutive bases within chr7:103,989,357-103,989,382 gives the same sequence; the position shown is the placement nearest the transcript's 3' end. VCF-style (leftmost placement, unchanged base first): chr7-103989356-T-TGCCGCCGCCGCC. GRCh37 (hg19) VCF-style: chr7-103629803-T-TGCCGCCGCCGCC.
Other names: c.-24GGC[12], p.Met1_Glu2insGlyGlyGlyGly (NM_173054.3); c.-12_-1dup (NM_005045.4).
Identifiers: ClinVar variation 358424 (VCV000358424.14), dbSNP rs55656324, ClinGen allele CA4422750.